The following is an entry in ClinVar:

ClinVar aggregate classification (germline): Uncertain significance (1 of 4 stars; one submission).

Conditions:
Charcot-Marie-Tooth disease type 2. Also called: Charcot-Marie-Tooth type 2. Identifiers: Orphanet 64746, MedGen C0270914, MONDO:0018993.

Submission:

Labcorp Genetics (formerly Invitae), Labcorp
Classification: Uncertain significance for Charcot-Marie-Tooth disease type 2. Last evaluated: 2023-01-18. Review status: criteria provided, single submitter. Criteria: Invitae Variant Classification Sherloc (09022015). Collection method: clinical testing. Allele origin: germline.
Comment: In summary, the available evidence is currently insufficient to determine the role of this variant in disease. Therefore, it has been classified as a Variant of Uncertain Significance. Algorithms developed to predict the effect of missense changes on protein structure and function are either unavailable or do not agree on the potential impact of this missense change (SIFT: "Deleterious"; PolyPhen-2: "Possibly Damaging"; Align-GVGD: "Class C0"). This variant has not been reported in the literature in individuals affected with KIF1B-related conditions. This variant is not present in population databases (gnomAD no frequency). This sequence change replaces serine, which is neutral and polar, with phenylalanine, which is neutral and non-polar, at codon 847 of the KIF1B protein (p.Ser847Phe).

NM_001365951.3(KIF1B):c.2678C>T (p.Ser893Phe)

Genes: KIF1B (kinesin family member 1B; plus strand), LOC126805614 (BRD4-independent group 4 enhancer GRCh37_chr1:10385546-10386745; plus strand). Cytogenetic location: 1p36.22.
Variant type: single nucleotide variant.
Coding change: c.2678C>T on transcript NM_001365951.3 (MANE Select); coding-DNA position 2678, C replaced by T.
Protein change: p.Ser893Phe; replaces serine 893 with phenylalanine.
Molecular consequence: missense variant.
Genome position (GRCh38, 1-based): chr1:10,326,113, C>T. VCF-style: chr1-10326113-C-T. GRCh37 (hg19) VCF-style: chr1-10386171-C-T.
Other names: c.2678C>T, p.Ser893Phe (NM_001365952.1); c.2540C>T, p.Ser847Phe (NM_015074.3); short protein forms S847F, S893F.
Identifiers: ClinVar variation 2829807 (VCV002829807.3), dbSNP rs2521638612, ClinGen allele CA338336708.